The following is an entry in ClinVar:

ClinVar aggregate classification (germline): Conflicting classifications of pathogenicity. Review status: criteria provided, conflicting classifications (1 of 4 stars). 2 submissions from 2 submitters: Likely pathogenic (1); Uncertain significance (1). Last evaluated 2023-07-07.

Conditions:
Early-infantile DEE. Also called: Ohtahara syndrome; Early infantile epileptic encephalopathy with suppression bursts; Early infantile epileptic encephalopathy. Identifiers: Orphanet 1934, MedGen C0393706, MONDO:0800491.

Submissions (2):

Labcorp Genetics (formerly Invitae), Labcorp
Classification: Likely pathogenic for Early-infantile DEE. Last evaluated: 2023-07-07. Review status: criteria provided, single submitter. Criteria: Invitae Variant Classification Sherloc (09022015). Collection method: clinical testing. Allele origin: germline.
Comment: This sequence change replaces phenylalanine, which is neutral and non-polar, with valine, which is neutral and non-polar, at codon 1226 of the SCN1A protein (p.Phe1226Val). This variant is not present in population databases (gnomAD no frequency). This missense change has been observed in individual(s) with clinical features of developmental and epileptic encephalopathy (Invitae). It has also been observed to segregate with disease in related individuals. ClinVar contains an entry for this variant (Variation ID: 1475150). Advanced modeling of protein sequence and biophysical properties (such as structural, functional, and spatial information, amino acid conservation, physicochemical variation, residue mobility, and thermodynamic stability) performed at Invitae indicates that this missense variant is expected to disrupt SCN1A protein function. In summary, the currently available evidence indicates that the variant is pathogenic, but additional data are needed to prove that conclusively. Therefore, this variant has been classified as Likely Pathogenic.

Revvity Omics, Revvity
Classification: Uncertain significance. Last evaluated: 2019-08-21. Review status: criteria provided, single submitter. Criteria: ACMG Guidelines, 2015. Collection method: clinical testing. Allele origin: germline.

NM_001165963.4(SCN1A):c.3676T>G (p.Phe1226Val)

Genes: SCN1A (sodium voltage-gated channel alpha subunit 1; minus strand), LOC102724058 (uncharacterized LOC102724058; plus strand). Cytogenetic location: 2q24.3.
Variant type: single nucleotide variant.
Coding change: c.3676T>G on transcript NM_001165963.4 (MANE Select); coding-DNA position 3676, T replaced by G.
Protein change: p.Phe1226Val; replaces phenylalanine 1226 with valine.
Molecular consequence: missense variant. On other transcripts: non-coding transcript variant (1).
Genome position (GRCh38, 1-based): chr2:166,013,773, A>C on the plus strand (T>G on the coding strand, the complement: SCN1A is on the minus strand). VCF-style: chr2-166013773-A-C. GRCh37 (hg19) VCF-style: chr2-166870283-A-C.
Other names: c.3676T>G (NM_001165963.1); c.3592T>G, p.Phe1198Val (NM_001165964.3, NM_001353957.2, NM_001353958.2); c.3676T>G, p.Phe1226Val (NM_001202435.3, NM_001353948.2); c.3643T>G, p.Phe1215Val (NM_001353949.2, NM_001353950.2, NM_001353951.2 and 2 more transcripts); c.3640T>G, p.Phe1214Val (NM_001353954.2, NM_001353955.2); c.3589T>G, p.Phe1197Val (NM_001353960.2); c.1234T>G, p.Phe412Val (NM_001353961.2); short protein forms F1197V, F412V, F1215V, F1226V, F1198V, F1214V.
Identifiers: ClinVar variation 1475150 (VCV001475150.9), dbSNP rs2105609833, ClinGen allele CA349055801.
Genomic context (GRCh38, chr2:166,013,773, plus strand): 5'-TGCTGTATCACCTTTTCTTAATCTCACTCACCAGAGCACCACTACTAAGGAGAATCATGA[A>C]AACAATGAAGGTCTCAAACCAGTTATGTTCAACTATTCGGAAACACGTCCTTCTCAGGTT-3'
Protein context (NP_001159435.1, residues 1216-1236): EHNWFETFIV[Phe1226Val]MILLSSGALA